The following is an entry in ClinVar:

NM_147686.4(TRAF3IP2):c.760A>G (p.Asn254Asp)

Genes: TRAF3IP2 (TRAF3 interacting protein 2; minus strand), TRAF3IP2-AS1 (TRAF3IP2 antisense RNA 1; plus strand), LOC114803478 (TRAF3IP2 eExon liver enhancer; plus strand). Cytogenetic location: 6q21.
Variant type: single nucleotide variant.
Coding change: c.760A>G on transcript NM_147686.4 (MANE Select); coding-DNA position 760, A replaced by G.
Protein change: p.Asn254Asp; replaces asparagine 254 with aspartic acid.
Molecular consequence: missense variant.
Genome position (GRCh38, 1-based): chr6:111,591,327, T>C on the plus strand (A>G on the coding strand, the complement: TRAF3IP2 is on the minus strand). VCF-style: chr6-111591327-T-C. GRCh37 (hg19) VCF-style: chr6-111912530-T-C.
Other names: c.760A>G, p.Asn254Asp (NM_001164281.3); c.787A>G, p.Asn263Asp (NM_147200.3); short protein forms N254D, N263D.
Identifiers: ClinVar variation 569438 (VCV000569438.10), dbSNP rs1562433144, ClinGen allele CA365365841.

ClinVar aggregate classification (germline): Uncertain significance (1 of 4 stars; one submission).

Conditions:
Candidiasis, familial, 8 (CANDF8). Identifiers: Orphanet 1334, MedGen C3714992, MONDO:0014230, OMIM 615527.

Submission:

Labcorp Genetics (formerly Invitae), Labcorp
Classification: Uncertain significance for Candidiasis, familial, 8. Last evaluated: 2019-07-24. Review status: criteria provided, single submitter. Criteria: Invitae Variant Classification Sherloc (09022015). Collection method: clinical testing. Allele origin: germline.
Comment: In summary, the available evidence is currently insufficient to determine the role of this variant in disease. Therefore, it has been classified as a Variant of Uncertain Significance. Algorithms developed to predict the effect of missense changes on protein structure and function output the following: SIFT: "Tolerated"; PolyPhen-2: "Benign"; Align-GVGD: "Class C0". The aspartic acid amino acid residue is found in multiple mammalian species, suggesting that this missense change does not adversely affect protein function. These predictions have not been confirmed by published functional studies and their clinical significance is uncertain. This variant has not been reported in the literature in individuals with TRAF3IP2-related disease. This variant is not present in population databases (ExAC no frequency). This sequence change replaces asparagine with aspartic acid at codon 254 of the TRAF3IP2 protein (p.Asn254Asp). The asparagine residue is moderately conserved and there is a small physicochemical difference between asparagine and aspartic acid.